The following is an entry in ClinVar:

ClinVar aggregate classification (germline): Uncertain significance (1 of 4 stars; one submission).

Submission:

Labcorp Genetics (formerly Invitae), Labcorp
Classification: Uncertain significance. Last evaluated: 2025-08-18. Review status: criteria provided, single submitter. Criteria: Invitae Variant Classification Sherloc (09022015). Collection method: clinical testing. Allele origin: germline.
Comment: This sequence change replaces serine, which is neutral and polar, with asparagine, which is neutral and polar, at codon 6 of the NSDHL protein (p.Ser6Asn). This variant is not present in population databases (gnomAD no frequency). This variant has not been reported in the literature in individuals affected with NSDHL-related conditions. ClinVar contains an entry for this variant (Variation ID: 2874355). An algorithm developed to predict the effect of missense changes on protein structure and function (PolyPhen-2) suggests that this variant is likely to be tolerated. In summary, the available evidence is currently insufficient to determine the role of this variant in disease. Therefore, it has been classified as a Variant of Uncertain Significance.

NM_015922.3(NSDHL):c.17G>A (p.Ser6Asn)

Gene: NSDHL (NAD(P) dependent 3-beta-hydroxysteroid dehydrogenase NSDHL; plus strand). Cytogenetic location: Xq28.
Variant type: single nucleotide variant.
Coding change: c.17G>A on transcript NM_015922.3 (MANE Select); coding-DNA position 17, G replaced by A.
Protein change: p.Ser6Asn; replaces serine 6 with asparagine.
Molecular consequence: missense variant.
Genome position (GRCh38, 1-based): chrX:152,846,341, G>A. VCF-style: chrX-152846341-G-A. GRCh37 (hg19) VCF-style: chrX-152014885-G-A.
Other names: c.17G>A, p.Ser6Asn (NM_001129765.2); short protein forms S6N.
Identifiers: ClinVar variation 2874355 (VCV002874355.3), dbSNP rs2521758722, ClinGen allele CA415283949.
Genomic context (GRCh38, chrX:152,846,341, plus strand): 5'-GAAAAGAAAAGTTGATTACAAACGGGACCATATTTTGCTTCGAAATGGAACCAGCAGTTA[G>A]CGAGCCAATGAGAGACCAAGTCGCACGGACTCATTTGACAGAGGACACTCCCAAAGTGAA-3'
Protein context (NP_057006.1, residues 1-16): MEPAV[Ser6Asn]EPMRDQVART